The following is an entry in ClinVar:

ClinVar aggregate classification (germline): Uncertain significance (1 of 4 stars; one submission).

Allele frequency attached by ClinVar (database versions not stated): gnomAD exomes below 0.00001 and 0.00001; TOPMed below 0.00001; gnomAD 0.00001.

Submission:

Labcorp Genetics (formerly Invitae), Labcorp
Classification: Uncertain significance. Last evaluated: 2021-09-24. Review status: criteria provided, single submitter. Criteria: Invitae Variant Classification Sherloc (09022015). Collection method: clinical testing. Allele origin: germline.
Comment: This sequence change replaces glutamine with arginine at codon 803 of the TUBGCP6 protein (p.Gln803Arg). The glutamine residue is moderately conserved and there is a small physicochemical difference between glutamine and arginine. This variant is not present in population databases (ExAC no frequency). This variant has not been reported in the literature in individuals with TUBGCP6-related conditions. Algorithms developed to predict the effect of missense changes on protein structure and function output the following: SIFT: "Tolerated"; PolyPhen-2: "Possibly Damaging"; Align-GVGD: "Class C0". The arginine amino acid residue is found in multiple mammalian species, suggesting that this missense change does not adversely affect protein function. These predictions have not been confirmed by published functional studies and their clinical significance is uncertain. In summary, the available evidence is currently insufficient to determine the role of this variant in disease. Therefore, it has been classified as a Variant of Uncertain Significance.

NM_020461.4(TUBGCP6):c.2408A>G (p.Gln803Arg)

Gene: TUBGCP6 (tubulin gamma complex component 6; minus strand). Cytogenetic location: 22q13.33.
Variant type: single nucleotide variant.
Coding change: c.2408A>G on transcript NM_020461.4 (MANE Select); coding-DNA position 2408, A replaced by G.
Protein change: p.Gln803Arg; replaces glutamine 803 with arginine.
Molecular consequence: missense variant.
Genome position (GRCh38, 1-based): chr22:50,222,455, T>C on the plus strand (A>G on the coding strand, the complement: TUBGCP6 is on the minus strand). VCF-style: chr22-50222455-T-C. GRCh37 (hg19) VCF-style: chr22-50660884-T-C.
Other names: short protein forms Q803R.
Identifiers: ClinVar variation 1473848 (VCV001473848.5), dbSNP rs1463750284, ClinGen allele CA412099308.
Genomic context (GRCh38, chr22:50,222,455, plus strand): 5'-GGGGTTTCCAGACCCCCAAAGCCCAGGGGAAGAGCTGCCATCTGAAGCCGCAGACATACC[T>C]GAATGTGTTTCTCATCTTCTAAGAGAAAACGAAGCCGTGCACTCTCCAGTCGGTGCCTCT-3'
Protein context (NP_065194.3, residues 793-813): RFLLEDEKHI[Gln803Arg]EMLKAVSEAH